The following is an entry in ClinVar:

ClinVar aggregate classification (germline): Likely pathogenic (1 of 4 stars; one submission).

Conditions:
Hereditary breast ovarian cancer syndrome. Also called: Hereditary breast and ovarian cancer syndrome (HBOC); Hereditary breast and ovarian cancer; BRCA1- and BRCA2-Associated Hereditary Breast and Ovarian Cancer; Hereditary breast and ovarian cancer syndrome; Hereditary breast and/or ovarian cancer syndrome; Breast and ovarian cancer. Identifiers: Orphanet 145, MedGen C0677776, MeSH D061325, MONDO:0003582. Disease mechanism: loss of function.

Submission:

Labcorp Genetics (formerly Invitae), Labcorp
Classification: Likely pathogenic for Hereditary breast ovarian cancer syndrome. Last evaluated: 2024-03-12. Review status: criteria provided, single submitter. Criteria: Invitae Variant Classification Sherloc (09022015). Collection method: clinical testing. Allele origin: germline.
Comment: This variant results in the deletion of part of exon 6 (c.412_441+58del) of the BRCA1 gene. It is expected to disrupt RNA splicing. Variants that disrupt the donor or acceptor splice site typically lead to a loss of protein function (PMID: 16199547), and loss-of-function variants in BRCA1 are known to be pathogenic (PMID: 20104584). This variant is not present in population databases (gnomAD no frequency). This variant has not been reported in the literature in individuals affected with BRCA1-related conditions. In summary, the currently available evidence indicates that the variant is pathogenic, but additional data are needed to prove that conclusively. Therefore, this variant has been classified as Likely Pathogenic.

Literature cited by the submitters: PubMed 16199547; PubMed 20104584.

NM_007294.4(BRCA1):c.412_441+58del

Gene: BRCA1 (BRCA1 DNA repair associated; minus strand). Cytogenetic location: 17q21.31.
Variant type: Deletion.
Coding change: c.412_441+58del on transcript NM_007294.4 (MANE Select); coding-DNA position 412 through 58 bases into the intron after coding-DNA position 441, 88 bases deleted.
Molecular consequence: splice donor variant. On other transcripts: intron variant (2).
Genome position (GRCh38, 1-based): chr17:43,104,064-43,104,151, 88 bases deleted. GRCh37 (hg19): chr17:41,256,083-41,256,170.
Other names: c.271_300+58del (NM_001408499.1, NM_001407933.1, NM_001407927.1 and 99 more transcripts); c.202_231+58del (NM_001407952.1, NM_001407896.1, NM_001407900.1 and 58 more transcripts); c.334_363+58del (NM_001407874.1, NM_001408416.1, NM_001408475.1 and 21 more transcripts); c.412_441+58del (NM_001408422.1, NM_001408398.1, NM_001407992.1 and 164 more transcripts); c.-218-9291_-218-9204del (NM_001407967.1, NM_001407966.1); c.31_60+58del (NM_001407959.1, NM_001407962.1, NM_001408512.1 and 4 more transcripts); c.280_309+58del (NM_001408451.1); c.403_432+58del (NM_001408408.1, NM_001407647.1, NM_001407646.1).
Identifiers: ClinVar variation 3645516 (VCV003645516.2).